The following is an entry in ClinVar:

ClinVar aggregate classification (germline): Uncertain significance (1 of 4 stars; one submission).

Submission:

Labcorp Genetics (formerly Invitae), Labcorp
Classification: Uncertain significance. Last evaluated: 2022-11-22. Review status: criteria provided, single submitter. Criteria: Invitae Variant Classification Sherloc (09022015). Collection method: clinical testing. Allele origin: germline.
Comment: In summary, the available evidence is currently insufficient to determine the role of this variant in disease. Therefore, it has been classified as a Variant of Uncertain Significance. Experimental studies and prediction algorithms are not available or were not evaluated, and the functional significance of this variant is currently unknown. This variant has not been reported in the literature in individuals affected with HMCN1-related conditions. This variant is not present in population databases (gnomAD no frequency). This variant, c.2962_2964dup, results in the insertion of 1 amino acid(s) of the HMCN1 protein (p.Gln988dup), but otherwise preserves the integrity of the reading frame.

NM_031935.3(HMCN1):c.2959CAG[3] (p.Gln988dup)

Gene: HMCN1 (hemicentin 1; plus strand). Cytogenetic location: 1q31.1.
Variant type: Microsatellite.
Coding change: c.2959CAG[3] on transcript NM_031935.3 (MANE Select); three copies in a row of the 3-base unit CAG starting at c.2959; the reference has two copies in a row; one copy, 3 bases duplicated.
Protein change: p.Gln988dup; duplicates glutamine 988.
Molecular consequence: inframe insertion.
Genome position (GRCh38, 1-based): chr1:185,987,458-185,987,460, CAG duplicated; duplicating any 3 consecutive bases within chr1:185,987,454-185,987,460 gives the same sequence; the position shown is the placement nearest the transcript's 3' end. VCF-style (leftmost placement, unchanged base first): chr1-185987453-G-GGCA. GRCh37 (hg19) VCF-style: chr1-185956585-G-GGCA.
Identifiers: ClinVar variation 1442243 (VCV001442243.6), dbSNP rs2102018182, ClinGen allele CA2580611517.